The following is an entry in ClinVar:

NM_005912.3(MC4R):c.449C>T (p.Thr150Ile)

Gene: MC4R (melanocortin 4 receptor; minus strand). Cytogenetic location: 18q21.32.
Variant type: single nucleotide variant.
Coding change: c.449C>T on transcript NM_005912.3 (MANE Select); coding-DNA position 449, C replaced by T.
Protein change: p.Thr150Ile; replaces threonine 150 with isoleucine.
Molecular consequence: missense variant.
Genome position (GRCh38, 1-based): chr18:60,371,901, G>A on the plus strand (C>T on the coding strand, the complement: MC4R is on the minus strand). VCF-style: chr18-60371901-G-A. GRCh37 (hg19) VCF-style: chr18-58039134-G-A.
Other names: short protein forms T150I.
Identifiers: ClinVar variation 435829 (VCV000435829.28), dbSNP rs766665118, ClinGen allele CA8980922.

ClinVar aggregate classification (germline): Conflicting classifications of pathogenicity. Review status: criteria provided, conflicting classifications (1 of 4 stars). 10 submissions from 10 submitters: Likely pathogenic (8); Uncertain significance (1). 1 of the submissions does not count toward it. Last evaluated 2026-04-14.

Conditions:
MC4R-related disorder. Also called: MC4R-related condition.
Obesity, autosomal dominant. Identifiers: MedGen CN233047.
BODY MASS INDEX QUANTITATIVE TRAIT LOCUS 20 (BMIQ20). Also called: MELANOCORTIN 4 RECEPTOR DEFICIENCY; MC4R DEFICIENCY. Identifiers: MedGen C4759928, OMIM 618406.
Obesity. Also called: Obesity disorder. Identifiers: Orphanet 71529, MedGen C0028754, MeSH D009765, MONDO:0011122, HP:0001513.

Allele frequency attached by ClinVar (database versions not stated): gnomAD exomes 0.00001 and 0.00007; gnomAD 0.00003; ExAC 0.00004; TOPMed 0.00005.
gnomAD v4.1: 28 of 1,614,050 alleles (0.0017%); highest among the groups gnomAD compares: Admixed American, 0.035%; no homozygotes.

Submissions (10):

PreventionGenetics, part of Exact Sciences
Classification: Likely pathogenic for MC4R-related condition. Last evaluated: 2026-04-14. Review status: criteria provided, single submitter. Criteria: ACMG Guidelines, 2015. Collection method: clinical testing. Allele origin: germline.
Comment: The MC4R c.449C>T variant is predicted to result in the amino acid substitution p.Thr150Ile. This variant has been reported to be causative for autosomal dominant obesity (Albuquerque et al. 2014. PubMed ID: 24611737; Stutzmann et al. 2008. PubMed ID: 18559663; Lubrano-Berthelier et al. 2006. PubMed ID: 16507637; Serra-Juhe et al. 2019. PubMed ID: 30926952). In vitro functional analyses indicate that the p.Thr150Ile variant results in partial loss of activity (Stutzmann et al. 2008. PubMed ID: 18559663; Vaisse et al. 2000. PubMed ID: 10903341; Lotta et al. 2019. PubMed ID: 31002796). This variant is reported in 0.046% of alleles in individuals of Latino descent in gnomAD. This variant is interpreted as likely pathogenic.

Labcorp Genetics (formerly Invitae), Labcorp
Classification: Likely pathogenic. Last evaluated: 2025-10-06. Review status: criteria provided, single submitter. Criteria: Invitae Variant Classification Sherloc (09022015). Collection method: clinical testing. Allele origin: germline.
Comment: This sequence change replaces threonine, which is neutral and polar, with isoleucine, which is neutral and non-polar, at codon 150 of the MC4R protein (p.Thr150Ile). This variant is present in population databases (rs766665118, gnomAD 0.05%). This missense change has been observed in individual(s) with obesity (PMID: 10903341, 16507637, 18559663, 24611737, 26588347). ClinVar contains an entry for this variant (Variation ID: 435829). Invitae Evidence Modeling of protein sequence and biophysical properties (such as structural, functional, and spatial information, amino acid conservation, physicochemical variation, residue mobility, and thermodynamic stability) indicates that this missense variant is not expected to disrupt MC4R protein function with a negative predictive value of 80%. Experimental studies have shown that this missense change affects MC4R function (PMID: 10903341, 16752916, 17590021, 31002796). In summary, the currently available evidence indicates that the variant is pathogenic, but additional data are needed to prove that conclusively. Therefore, this variant has been classified as Likely Pathogenic.

First Genomix Gene Laboratory, Genetic Diagnostics Department
Classification: Likely pathogenic for BODY MASS INDEX QUANTITATIVE TRAIT LOCUS 20. Last evaluated: 2025-05-30. Review status: criteria provided, single submitter. Criteria: ACMG Guidelines, 2015. Collection method: clinical testing. Allele origin: germline. Inheritance: Autosomal recessive inheritance. Affected: no. Observed: 1 variant allele.

GeneDx
Classification: Uncertain significance. Last evaluated: 2024-03-05. Review status: criteria provided, single submitter. Criteria: GeneDx Variant Classification Process June 2021. Collection method: clinical testing. Allele origin: germline. Affected: yes.
Comment: Published functional studies demonstrate a damaging effect with a significant decrease in MC4R activity compared to wild-type (PMID: 31002796, 10903341); In silico analysis supports that this missense variant has a deleterious effect on protein structure/function; This variant is associated with the following publications: (PMID: 16752916, 16083993, 31589614, 29311635, 24611737, 17628007, 18559663, 16507637, 19244934, 26588347, 31035493, 20406574, 17492953, 10903341, 31002796, 34561620, 33202557, 19301229, 17590021, 30926952)

Fulgent Genetics
Classification: Likely pathogenic for BODY MASS INDEX QUANTITATIVE TRAIT LOCUS 20. Last evaluated: 2022-03-21. Review status: criteria provided, single submitter. Criteria: ACMG Guidelines, 2015. Collection method: clinical testing. Allele origin: unknown.

Dasa
Classification: Likely pathogenic for Obesity. Last evaluated: 2022-02-05. Review status: criteria provided, single submitter. Criteria: ACMG Guidelines, 2015. Collection method: clinical testing. Allele origin: germline. Affected: yes. Observed: 1 variant allele.
Comment: The c.449C>T;p.(Thr150Ile) missense variant has been observed in affected individual(s) and ClinVar contains an entry for this variant (Clinvar ID: 435829; PMID: 26588347; 24611737; 19244934; 18559663; 17590021; 17492953; 16507637) - PS4. Well-established in vitro or in vivo functional studies supportive of a damaging effect on the gene or gene product (PMID: 29311635) - PS3_supporting. The variant is present at low allele frequencies population databases (rs766665118 – gnomAD 0.00002628%; ABraOM 0.000427 frequency) - PM2_supporting. The variant co-segregated with disease in multiple affected family members (PMID: 24611737; 19244934) - PP1. Multiple lines of computational evidence support a deleterious effect on the gene or gene product - PP3. In summary, the currently available evidence indicates that the variant is likely pathogenic.

Broad Center for Mendelian Genomics, Broad Institute of MIT and Harvard
Classification: Likely pathogenic for Obesity. Last evaluated: 2020-01-22. Review status: criteria provided, single submitter. Criteria: ACMG Guidelines, 2015. Collection method: curation. Allele origin: germline. Inheritance: Autosomal dominant inheritance.
Comment: The p.Thr150Ile variant in MC4R has been reported in at least 6 individuals with Obesity or who are overweight, segregated with disease in 2 obese relatives from 1 family (PMID: 16507637, 10903341, 17492953, 19244934, 26588347, 24611737), and has been identified in 0.04626% (16/34586) of Latino chromosomes by the Genome Aggregation Database (gnomAD; dbSNP rs766665118). Although this variant has been seen in the general population, its frequency is not high enough to rule out a pathogenic role. Please note that for diseases with clinical variability, or reduced penetrance, pathogenic variants may be present at a low frequency in the general population. This variant has also been reported likely pathogenic and pathogenic in ClinVar (Variation ID: 435829). In vitro functional studies provide some evidence that the p.Thr150Ile variant may impact protein activity, ligand binding, and response to the ligand (PMID: 10903341, 16083993, 16752916, 16507637). However, these types of assays may not accurately represent biological function. Computational prediction tools and conservation analyses do not provide strong support for or against an impact to the protein. This variant is located in an important, well-established functional domain near the DRY motif. Variants in this position near the DRY motif are expected to impact receptor function in multiple receptor types (PMID: 16083993). In summary, although additional studies are required to fully establish its clinical significance, this variant is likely pathogenic. ACMG/AMP Criteria applied: PS3_Moderate, PS4_Moderate, PM1 (Richards 2015).

Genetic Services Laboratory, University of Chicago
Classification: Likely pathogenic for Obesity, autosomal dominant. Last evaluated: 2016-10-18. Review status: criteria provided, single submitter. Criteria: ACMG Guidelines, 2015. Collection method: clinical testing. Allele origin: germline. Affected: yes.

Rady Children's Institute for Genomic Medicine, Rady Children's Hospital San Diego
Classification: Likely pathogenic for Obesity. Review status: criteria provided, single submitter. Criteria: ACMG Guidelines, 2015. Collection method: clinical testing. Allele origin: germline. Affected: yes.
Comment: This variant has been previously reported as a heterozygous change in multiple unrelated individuals with obesity and segregated with disease in two individuals from the same family (PMID: 10903341, 16507637, 17492953, 19244934, 24611737, 26588347). Functional studies demonstrate that it significantly reduces protein activity, ligand binding, and response to ligand (PMID: 10903341, 16083993, 16507637, 16752916). It is present in the heterozygous state in the gnomAD population database at a frequency of 0.0072% (18/251398) and thus is presumed to be rare. The c.449C>T (p.Thr150Ile) variant affects a highly conserved amino acid and is predicted by multiple in silico tools to have a deleterious effect on protein function. Based on the available evidence, the c.449C>T (p.Thr150Ile) variant is classified as Likely Pathogenic.

Clinical Molecular Genetics Laboratory, Johns Hopkins All Children's Hospital
Classification: Pathogenic for Obesity. Last evaluated: 2014-05-13. Review status: no assertion criteria provided. Collection method: clinical testing. Allele origin: germline. Affected: yes. Not counted in ClinVar's aggregate classification.

Literature cited by the submitters: PubMed 10903341 (cited by Labcorp Genetics (formerly Invitae), Labcorp and Broad Center for Mendelian Genomics, Broad Institute of MIT and Harvard); PubMed 16507637 (cited by Labcorp Genetics (formerly Invitae), Labcorp and Broad Center for Mendelian Genomics, Broad Institute of MIT and Harvard); PubMed 18559663 (cited by Labcorp Genetics (formerly Invitae), Labcorp and Dasa); PubMed 24611737 (cited by 3 submitters); PubMed 26588347 (cited by 3 submitters); PubMed 16752916 (cited by Labcorp Genetics (formerly Invitae), Labcorp and Broad Center for Mendelian Genomics, Broad Institute of MIT and Harvard); PubMed 17590021 (cited by Labcorp Genetics (formerly Invitae), Labcorp and Dasa); PubMed 31002796 (cited by Labcorp Genetics (formerly Invitae), Labcorp); PubMed 19244934 (cited by Dasa and Broad Center for Mendelian Genomics, Broad Institute of MIT and Harvard); PubMed 17492953 (cited by Dasa and Broad Center for Mendelian Genomics, Broad Institute of MIT and Harvard); PubMed 29311635 (cited by Dasa); PubMed 16083993 (cited by Broad Center for Mendelian Genomics, Broad Institute of MIT and Harvard).